The following is an entry in ClinVar:

ClinVar aggregate classification (germline): Benign/Likely benign. Review status: criteria provided, multiple submitters, no conflicts (2 of 4 stars). 4 submissions from 4 submitters: Benign (1); Likely benign (3). Last evaluated 2025-06-02.

Conditions:
Hereditary cancer-predisposing syndrome. Also called: Tumor predisposition; Neoplastic Syndromes, Hereditary; Hereditary Cancer Syndrome; Hereditary neoplastic syndrome. Identifiers: Orphanet 140162, MedGen C0027672, MeSH D009386, MONDO:0015356.
Familial cancer of breast. Also called: hereditary breast carcinoma; BREAST CANCER, FAMILIAL; Hereditary breast cancer. Identifiers: Orphanet 227535, MedGen C0346153, MONDO:0016419, OMIM 114480. Disease mechanism: loss of function.

Allele frequency attached by ClinVar (database versions not stated): gnomAD 0.00002.
gnomAD v4.1: 7 of 1,614,066 alleles (0.00043%); highest among the groups gnomAD compares: African/African-American, 0.0093%; 1 homozygote.

Submissions (4):

Labcorp Genetics (formerly Invitae), Labcorp
Classification: Likely benign for Familial cancer of breast. Last evaluated: 2025-06-02. Review status: criteria provided, single submitter. Criteria: Invitae Variant Classification Sherloc (09022015). Collection method: clinical testing. Allele origin: germline.

Myriad Genetics, Inc.
Classification: Benign for Familial cancer of breast. Last evaluated: 2024-07-24. Review status: criteria provided, single submitter. Criteria: Myriad Autosomal Dominant, Autosomal Recessive and X-Linked Classification Criteria (2023). Collection method: clinical testing. Allele origin: unknown.
Comment: This variant is considered benign. This variant is a silent/synonymous amino acid change and it is not expected to impact splicing.

Color Diagnostics, LLC DBA Color Health
Classification: Likely benign for Hereditary cancer-predisposing syndrome. Last evaluated: 2023-10-31. Review status: criteria provided, single submitter. Criteria: ACMG Guidelines, 2015. Collection method: clinical testing. Allele origin: germline.

Ambry Genetics
Classification: Likely benign for Hereditary cancer-predisposing syndrome. Last evaluated: 2022-10-11. Review status: criteria provided, single submitter. Criteria: Ambry Variant Classification Scheme 2023. Collection method: clinical testing. Allele origin: germline.

NM_000465.4(BARD1):c.1270A>C (p.Arg424=)

Gene: BARD1 (BRCA1 associated RING domain 1; minus strand). Cytogenetic location: 2q35.
Variant type: single nucleotide variant.
Coding change: c.1270A>C on transcript NM_000465.4 (MANE Select); coding-DNA position 1270, A replaced by C.
Protein change: p.Arg424=; no amino-acid change (arginine 424 retained).
Molecular consequence: synonymous variant. On other transcripts: non-coding transcript variant (2), intron variant (3).
Genome position (GRCh38, 1-based): chr2:214,780,604, T>G on the plus strand (A>C on the coding strand, the complement: BARD1 is on the minus strand). VCF-style: chr2-214780604-T-G. GRCh37 (hg19) VCF-style: chr2-215645328-T-G.
Other names: c.1213A>C, p.Arg405= (NM_001282543.2); c.159-28049A>C (NM_001282548.2); c.215+16457A>C (NM_001282545.2); c.364+11693A>C (NM_001282549.2).
Identifiers: ClinVar variation 1643737 (VCV001643737.14), dbSNP rs1553622123, ClinGen allele CA431391143.